The following is an entry in ClinVar:

ClinVar aggregate classification (germline): Pathogenic/Likely pathogenic. Review status: criteria provided, multiple submitters, no conflicts (2 of 4 stars). 4 submissions from 4 submitters: Pathogenic (3); Likely pathogenic (1). Last evaluated 2025-12-12.

Conditions:
Inborn genetic diseases. Identifiers: MedGen C0950123, MeSH D030342.
Sifrim-Hitz-Weiss syndrome (SIHIWES). Also called: CHD4 Neurodevelopmental Disorder; SIFRIM-HITZ-WEISS MULTIPLE CONGENITAL ANOMALIES-MENTAL RETARDATION SYNDROME. Identifiers: Orphanet 653712, MedGen C4310688, MONDO:0014946, OMIM 617159.

Allele frequency attached by ClinVar (database versions not stated): gnomAD exomes below 0.00001.
gnomAD v4.1: 1 of 1,614,218 alleles (0.000062%); highest among the groups gnomAD compares: African/African-American, 0.0013%; no homozygotes.

Submissions (4):

3billion
Classification: Pathogenic for Sifrim-Hitz-Weiss syndrome. Last evaluated: 2025-12-12. Review status: criteria provided, single submitter. Criteria: ACMG Guidelines, 2015. Collection method: clinical testing. Allele origin: germline. Affected: yes.
Comment: The variant is observed at an extremely low frequency in the gnomAD v4.1.0 dataset (total allele frequency: <0.001%). Predicted Consequence/Location: The variant is located in a mutational hot spot and/or well-established functional domain in which established pathogenic variants have been reported. Missense variant. Missense changes are a common disease-causing mechanism. In silico tool predictions suggest damaging effect of the variant on gene or gene product [REVEL: 0.80 (>=0.6, sensitivity 0.68 and specificity 0.92); 3Cnet: 0.93 (> 0.75, sensitivity 0.96 and precision 0.92)]. The same nucleotide change resulting in the same amino acid change has been previously reported as pathogenic/likely pathogenic with strong evidence (ClinVar ID: VCV000985749 /PMID: 31388190 /3billion dataset). Different missense changes at the same codon (p.Arg1173Leu, p.Arg1173Trp) have been reported as pathogenic/likely pathogenic with strong evidence (ClinVar ID: VCV000266127, VCV001030325 /PMID: 36939041). Therefore, this variant is classified as Pathogenic according to the recommendation of ACMG/AMP guideline.

GeneDx
Classification: Pathogenic. Last evaluated: 2025-12-12. Review status: criteria provided, single submitter. Criteria: GeneDx Variant Classification Process June 2021. Collection method: clinical testing. Allele origin: germline.
Comment: Not observed at significant frequency in large population cohorts (gnomAD); In silico analysis supports that this missense variant has a deleterious effect on protein structure/function; This variant is associated with the following publications: (PMID: 33057194, 35982159, 31388190, 39824190)

CeGaT Center for Human Genetics Tuebingen
Classification: Likely pathogenic. Last evaluated: 2020-10-01. Review status: criteria provided, single submitter. Criteria: CeGaT Center For Human Genetics Tuebingen Variant Classification Criteria Version 2. Collection method: clinical testing. Allele origin: germline. Affected: yes. Observed: 1 variant allele.

Ambry Genetics
Classification: Pathogenic for Inborn genetic diseases. Last evaluated: 2017-01-01. Review status: criteria provided, single submitter. Criteria: Ambry exome assertion method (8-5-2015). Collection method: clinical testing. Allele origin: germline. Affected: yes. Observed: 1 variant allele.

Literature cited by the submitters: PubMed 31388190 (cited by 3billion); PubMed 36939041 (cited by 3billion).

NM_001273.5(CHD4):c.3518G>A (p.Arg1173Gln)

Gene: CHD4 (chromodomain helicase DNA binding protein 4; minus strand). Cytogenetic location: 12p13.31.
Variant type: single nucleotide variant.
Coding change: c.3518G>A on transcript NM_001273.5 (MANE Select); coding-DNA position 3518, G replaced by A.
Protein change: p.Arg1173Gln; replaces arginine 1173 with glutamine.
Molecular consequence: missense variant.
Genome position (GRCh38, 1-based): chr12:6,587,897, C>T on the plus strand (G>A on the coding strand, the complement: CHD4 is on the minus strand). VCF-style: chr12-6587897-C-T. GRCh37 (hg19) VCF-style: chr12-6697063-C-T.
Other names: c.3497G>A, p.Arg1166Gln (NM_001297553.2); c.3479G>A, p.Arg1160Gln (NM_001363606.2); short protein forms R1160Q, R1166Q, R1173Q.
Identifiers: ClinVar variation 985749 (VCV000985749.45), dbSNP rs886039918, ClinGen allele CA383582109.